The following is an entry in ClinVar:

NM_001035.3(RYR2):c.13236G>A (p.Met4412Ile)

Genes: RYR2 (ryanodine receptor 2; plus strand), LOC126806068 (BRD4-independent group 4 enhancer GRCh37_chr1:237947411-237948610; plus strand). Cytogenetic location: 1q43.
Variant type: single nucleotide variant.
Coding change: c.13236G>A on transcript NM_001035.3 (MANE Select); coding-DNA position 13236, G replaced by A.
Protein change: p.Met4412Ile; replaces methionine 4412 with isoleucine.
Molecular consequence: missense variant.
Genome position (GRCh38, 1-based): chr1:237,784,948, G>A. VCF-style: chr1-237784948-G-A. GRCh37 (hg19) VCF-style: chr1-237948248-G-A.
Other names: c.13236G>A (NM_001035.2); short protein forms M4412I.
Identifiers: ClinVar variation 4770743 (VCV004770743.2).

ClinVar aggregate classification (germline): Conflicting classifications of pathogenicity. Review status: criteria provided, conflicting classifications (1 of 4 stars). 2 submissions from 2 submitters: Uncertain significance (1); Likely benign (1). Last evaluated 2026-03-15.

Conditions:
Cardiovascular phenotype. Identifiers: MedGen CN230736.
Catecholaminergic polymorphic ventricular tachycardia 1. Also called: VENTRICULAR TACHYCARDIA, CATECHOLAMINERGIC POLYMORPHIC, 1, WITH OR WITHOUT ATRIAL DYSFUNCTION AND/OR DILATED CARDIOMYOPATHY; VENTRICULAR TACHYCARDIA, STRESS-INDUCED POLYMORPHIC 1; RYR2-Related Catecholaminergic Polymorphic Ventricular Tachycardia. Identifiers: Orphanet 3286, MedGen C1631597, MONDO:0011484, OMIM 604772.

gnomAD v4.1: 1 of 1,598,460 alleles (0.000063%); highest among the groups gnomAD compares: Non-Finnish European, 0.000085%; no homozygotes.

Submissions (2):

Ambry Genetics
Classification: Likely benign for Cardiovascular phenotype. Last evaluated: 2026-03-15. Review status: criteria provided, single submitter. Criteria: Ambry Variant Classification Scheme 2023. Collection method: clinical testing. Allele origin: germline.

Labcorp Genetics (formerly Invitae), Labcorp
Classification: Uncertain significance for Catecholaminergic polymorphic ventricular tachycardia 1. Last evaluated: 2026-01-13. Review status: criteria provided, single submitter. Criteria: Invitae Variant Classification Sherloc (09022015). Collection method: clinical testing. Allele origin: germline.
Comment: This sequence change replaces methionine, which is neutral and non-polar, with isoleucine, which is neutral and non-polar, at codon 4412 of the RYR2 protein (p.Met4412Ile). This variant is not present in population databases (gnomAD no frequency). This variant has not been reported in the literature in individuals affected with RYR2-related conditions. Invitae Evidence Modeling of protein sequence and biophysical properties (such as structural, functional, and spatial information, amino acid conservation, physicochemical variation, residue mobility, and thermodynamic stability) indicates that this missense variant is not expected to disrupt RYR2 protein function with a negative predictive value of 95%. In summary, the available evidence is currently insufficient to determine the role of this variant in disease. Therefore, it has been classified as a Variant of Uncertain Significance.